The following is an entry in ClinVar:

NM_004329.3(BMPR1A):c.1450T>C (p.Ser484Pro)

Gene: BMPR1A (bone morphogenetic protein receptor type 1A; plus strand). Cytogenetic location: 10q23.2.
Variant type: single nucleotide variant.
Coding change: c.1450T>C on transcript NM_004329.3 (MANE Select); coding-DNA position 1450, T replaced by C.
Protein change: p.Ser484Pro; replaces serine 484 with proline.
Molecular consequence: missense variant.
Genome position (GRCh38, 1-based): chr10:86,923,483, T>C. VCF-style: chr10-86923483-T-C. GRCh37 (hg19) VCF-style: chr10-88683240-T-C.
Other names: short protein forms S484P.
Identifiers: ClinVar variation 1038384 (VCV001038384.12), dbSNP rs1554891611, ClinGen allele CA377463150.

ClinVar aggregate classification (germline): Uncertain significance. Review status: criteria provided, single submitter (1 of 4 stars). 2 submissions from 2 submitters: Uncertain significance (1). 1 of the submissions does not count toward it. Last evaluated 2020-07-29.

Conditions:
Idiopathic and/or familial pulmonary arterial hypertension. Identifiers: Orphanet 422, MedGen C5679820, MONDO:0008347.
Pulmonary arterial hypertension. Identifiers: Orphanet 182090, MedGen C2973725, MeSH D000081029, MONDO:0015924, HP:0002092.
Juvenile polyposis syndrome (JPS). Identifiers: Orphanet 2929, MedGen C0345893, MONDO:0017380, OMIM 174900.

Submissions (2):

Labcorp Genetics (formerly Invitae), Labcorp
Classification: Uncertain significance for Juvenile polyposis syndrome. Last evaluated: 2020-07-29. Review status: criteria provided, single submitter. Criteria: Invitae Variant Classification Sherloc (09022015). Collection method: clinical testing. Allele origin: germline.
Comment: This sequence change replaces serine with proline at codon 484 of the BMPR1A protein (p.Ser484Pro). The serine residue is highly conserved and there is a moderate physicochemical difference between serine and proline. This variant is not present in population databases (ExAC no frequency). This variant has not been reported in the literature in individuals with BMPR1A-related conditions. Advanced modeling of protein sequence and biophysical properties (such as structural, functional, and spatial information, amino acid conservation, physicochemical variation, residue mobility, and thermodynamic stability) performed at Invitae indicates that this missense variant is not expected to disrupt BMPR1A protein function. In summary, the available evidence is currently insufficient to determine the role of this variant in disease. Therefore, it has been classified as a Variant of Uncertain Significance.

Wendy Chung Laboratory, Boston Children's Hospital
No classification provided. Condition: Idiopathic and/or familial pulmonary arterial hypertension. Review status: no classification provided. Collection method: literature only. Allele origin: germline. Affected: yes. Not counted in ClinVar's aggregate classification.

Literature cited by the submitters: PubMed 31727138 (cited by Wendy Chung Laboratory, Boston Children's Hospital).